The following is an entry in ClinVar:

ClinVar aggregate classification (germline): Benign. Review status: criteria provided, multiple submitters, no conflicts (2 of 4 stars). 2 submissions from 2 submitters: Benign (2). Last evaluated 2018-01-12.

Conditions:
Immunodeficiency 104. Also called: SCID, AUTOSOMAL RECESSIVE, T CELL-NEGATIVE, B CELL-POSITIVE, NK CELL-POSITIVE; Severe Combined Immune Deficiency, Autosomal Recessive, TCell -Negative, B Cell-Positive, NK Cell-Positive, IL7R-Related; Severe combined immunodeficiency, autosomal recessive, T cell-negative, B cell-positive, NK cell-positive; IMMUNODEFICIENCY 104, SEVERE COMBINED. Identifiers: MedGen C5676890, MONDO:0012163, OMIM 608971.

Allele frequency attached by ClinVar (database versions not stated): 1000 Genomes Project 0.23722; 1000 Genomes Project 30x 0.24282; TOPMed 0.29781.
gnomAD v4.1: 63,550 of 233,064 alleles (27%); highest among the groups gnomAD compares: African/African-American, 38%; 9,403 homozygotes.

Submissions (2):

Illumina Laboratory Services, Illumina
Classification: Benign for Immunodeficiency 104. Last evaluated: 2018-01-12. Review status: criteria provided, single submitter. Criteria: ICSL Variant Classification Criteria 13 December 2019. Collection method: clinical testing. Allele origin: germline.
Comment: This variant was observed in the ICSL laboratory as part of a predisposition screen in an ostensibly healthy population. It had not been previously curated by ICSL or reported in the Human Gene Mutation Database (HGMD: prior to June 1st, 2018), and was therefore a candidate for classification through an automated scoring system. Utilizing variant allele frequency, disease prevalence and penetrance estimates, and inheritance mode, an automated score was calculated to assess if this variant is too frequent to cause the disease. Based on the score and internal cut-off values, a variant classified as benign is not then subjected to further curation. The score for this variant resulted in a classification of benign for this disease.

Breakthrough Genomics
Classification: Benign. Review status: criteria provided, single submitter. Criteria: ACMG Guidelines, 2015. Collection method: not provided. Allele origin: germline. Inheritance: Autosomal recessive inheritance. Affected: yes.

NM_002185.5(IL7R):c.*1253G>A

Gene: IL7R (interleukin 7 receptor; plus strand). Cytogenetic location: 5p13.2.
Variant type: single nucleotide variant.
Coding change: c.*1253G>A on transcript NM_002185.5 (MANE Select); 1253 bases downstream of the stop codon, G replaced by A.
Molecular consequence: 3 prime UTR variant. On other transcripts: non-coding transcript variant (1).
Genome position (GRCh38, 1-based): chr5:35,877,739, G>A. VCF-style: chr5-35877739-G-A. GRCh37 (hg19) VCF-style: chr5-35877841-G-A.
Identifiers: ClinVar variation 353288 (VCV000353288.6), dbSNP rs10491435, ClinGen allele CA10624538.
Genomic context (GRCh38, chr5:35,877,739, plus strand): 5'-AAAGAGTTACAAGTACATGCAATGAGTGAACTGACTGTGGCTACAATCTTGAAGATATAC[G>A]GAAGAGACGTATTATTAATGCTTGACATATATCATCTTGCCTTTCTTGGTCTAGACTGAC-3'